The following is an entry in ClinVar:

ClinVar aggregate classification (germline): Uncertain significance. Review status: criteria provided, multiple submitters, no conflicts (2 of 4 stars). 2 submissions from 2 submitters: Uncertain significance (2). Last evaluated 2025-02-05.

Conditions:
Myofibrillar myopathy 3 (MFM3). Also called: Muscular dystrophy, proximal, type 1A; Autosomal dominant spheroid body myopathy. Identifiers: Orphanet 266, Orphanet 268129, MedGen C3714934, MONDO:0012215, OMIM 609200.

Allele frequency attached by ClinVar (database versions not stated): gnomAD exomes below 0.00001; TOPMed below 0.00001.
gnomAD v4.1: 1 of 1,613,610 alleles (0.000062%); highest among the groups gnomAD compares: Non-Finnish European, 0.000085%; no homozygotes.

Submissions (2):

Labcorp Genetics (formerly Invitae), Labcorp
Classification: Uncertain significance for Myofibrillar myopathy 3. Last evaluated: 2025-02-05. Review status: criteria provided, single submitter. Criteria: Invitae Variant Classification Sherloc (09022015). Collection method: clinical testing. Allele origin: germline.
Comment: This sequence change falls in intron 3 of the MYOT gene. It does not directly change the encoded amino acid sequence of the MYOT protein. It affects a nucleotide within the consensus splice site. This variant is not present in population databases (gnomAD no frequency). This variant has not been reported in the literature in individuals affected with MYOT-related conditions. ClinVar contains an entry for this variant (Variation ID: 285934). Variants that disrupt the consensus splice site are a relatively common cause of aberrant splicing (PMID: 17576681, 9536098). Algorithms developed to predict the effect of sequence changes on RNA splicing suggest that this variant is not likely to affect RNA splicing. In summary, the available evidence is currently insufficient to determine the role of this variant in disease. Therefore, it has been classified as a Variant of Uncertain Significance.

Eurofins Ntd Llc (ga)
Classification: Uncertain significance. Last evaluated: 2016-01-29. Review status: criteria provided, single submitter. Criteria: EGL Classification Definitions 2015. Collection method: clinical testing. Allele origin: germline. Observed: 1 variant allele, 1 heterozygote.

Literature cited by the submitters: PubMed 17576681 (cited by Labcorp Genetics (formerly Invitae), Labcorp); PubMed 9536098 (cited by Labcorp Genetics (formerly Invitae), Labcorp).

NM_006790.3(MYOT):c.531+4G>C

Genes: MYOT (myotilin; plus strand), PKD2L2-DT (PKD2L2 divergent transcript; minus strand). Cytogenetic location: 5q31.2.
Variant type: single nucleotide variant.
Coding change: c.531+4G>C on transcript NM_006790.3 (MANE Select); 4 bases into the intron after coding-DNA position 531, G replaced by C.
Molecular consequence: intron variant.
Genome position (GRCh38, 1-based): chr5:137,876,007, G>C. VCF-style: chr5-137876007-G-C. GRCh37 (hg19) VCF-style: chr5-137211696-G-C.
Other names: c.186+4G>C (NM_001300911.2); c.-22+4G>C (NM_001135940.2).
Identifiers: ClinVar variation 285934 (VCV000285934.6), dbSNP rs886043259, ClinGen allele CA10605302.
Genomic context (GRCh38, chr5:137,876,007, plus strand): 5'-CAAGATTTGGAAAGAAAGCTGAAATGCAAGGACACCCTTCTTCATAATGGAAATCAAGTG[G>C]GCAAGATGTCTATTTTGTACAAAAGGCCAATTAAACTATAAAATCTAATTTTAATAAGGA-3'